The following is an entry in ClinVar:

NM_005188.4(CBL):c.*5987A>T

Gene: CBL (Cbl proto-oncogene; plus strand). Cytogenetic location: 11q23.3.
Variant type: single nucleotide variant.
Coding change: c.*5987A>T on transcript NM_005188.4 (MANE Select); 5987 bases downstream of the stop codon, A replaced by T.
Molecular consequence: 3 prime UTR variant.
Genome position (GRCh38, 1-based): chr11:119,305,768, A>T. VCF-style: chr11-119305768-A-T. GRCh37 (hg19) VCF-style: chr11-119176478-A-T.
Identifiers: ClinVar variation 302878 (VCV000302878.5), dbSNP rs150688966, ClinGen allele CA10633729.
Genomic context (GRCh38, chr11:119,305,768, plus strand): 5'-TCTCTGGCAATTGCTTTCATTTTAGTCCTATATAAAAGCTTTCCTTTTCTGTTTTTTTTT[A>T]AAACTATGCTTTTGCTTGCCTAAATCTTTTGATCTTATATTTCTCTCATCTCAGAGCCTG-3'

ClinVar aggregate classification (germline): Benign (1 of 4 stars; one submission).

Conditions:
CBL-related disorder. Also called: NOONAN SYNDROME-LIKE DISORDER WITHOUT JUVENILE MYELOMONOCYTIC LEUKEMIA; CBL MUTATION-ASSOCIATED SYNDROME; CBL SYNDROME. Identifiers: Orphanet 363972, MedGen C3150803, MONDO:0013308, OMIM 613563.

Allele frequency attached by ClinVar (database versions not stated): gnomAD 0.00056 and 0.00081; TOPMed 0.00057; 1000 Genomes Project 0.00200; gnomAD exomes 0.00903.
gnomAD v4.1: 735 of 225,110 alleles (0.33%); highest among the groups gnomAD compares: East Asian, 4.3%; 22 homozygotes.

Submission:

Illumina Laboratory Services, Illumina
Classification: Benign for CBL-related disorder. Last evaluated: 2018-01-13. Review status: criteria provided, single submitter. Criteria: ICSL Variant Classification Criteria 13 December 2019. Collection method: clinical testing. Allele origin: germline.
Comment: This variant was observed in the ICSL laboratory as part of a predisposition screen in an ostensibly healthy population. It had not been previously curated by ICSL or reported in the Human Gene Mutation Database (HGMD: prior to June 1st, 2018), and was therefore a candidate for classification through an automated scoring system. Utilizing variant allele frequency, disease prevalence and penetrance estimates, and inheritance mode, an automated score was calculated to assess if this variant is too frequent to cause the disease. Based on the score and internal cut-off values, a variant classified as benign is not then subjected to further curation. The score for this variant resulted in a classification of benign for this disease.